The following is an entry in ClinVar:

NM_001130144.3(LTBP3):c.3076TAC[1] (p.Tyr1027del)

Genes: LTBP3 (latent transforming growth factor beta binding protein 3; minus strand), LOC121832793 (Sharpr-MPRA regulatory region 4001; plus strand). Cytogenetic location: 11q13.1.
Variant type: Microsatellite.
Coding change: c.3076TAC[1] on transcript NM_001130144.3 (MANE Select); one copy of the 3-base unit TAC starting at c.3076; the reference has two copies in a row; one copy, 3 bases deleted.
Protein change: p.Tyr1027del; deletes tyrosine 1027.
Molecular consequence: inframe deletion.
Genome position (GRCh38, 1-based): chr11:65,540,511-65,540,513, GTA deleted on the plus strand (TAC on the coding strand, the reverse complement: LTBP3 is on the minus strand); deleting any 3 consecutive bases within chr11:65,540,511-65,540,517 gives the same sequence; the position shown is the placement nearest the transcript's 3' end. VCF-style (leftmost placement, unchanged base first): chr11-65540510-CGTA-C. GRCh37 (hg19) VCF-style: chr11-65307981-CGTA-C.
Other names: c.2725TAC[1], p.Tyr910del (NM_001164266.1); c.3076TAC[1], p.Tyr1027del (NM_021070.4); short protein forms Y1027del, Y910del.
Identifiers: ClinVar variation 2184890 (VCV002184890.4), dbSNP rs1856061925, ClinGen allele CA938915716.

ClinVar aggregate classification (germline): Uncertain significance (1 of 4 stars; one submission).

Conditions:
Brachyolmia-amelogenesis imperfecta syndrome. Also called: PLATYSPONDYLY WITH AMELOGENESIS IMPERFECTA; Dental anomalies and short stature; Tooth agenesis, selective, 6. Identifiers: Orphanet 2899, MedGen C1832594, MONDO:0011018, OMIM 601216. Disease mechanism: loss of function.

Submission:

Labcorp Genetics (formerly Invitae), Labcorp
Classification: Uncertain significance for Brachyolmia-amelogenesis imperfecta syndrome. Last evaluated: 2022-10-23. Review status: criteria provided, single submitter. Criteria: Invitae Variant Classification Sherloc (09022015). Collection method: clinical testing. Allele origin: germline.
Comment: This variant, c.3079_3081del, results in the deletion of 1 amino acid(s) of the LTBP3 protein (p.Tyr1027del), but otherwise preserves the integrity of the reading frame. This variant is not present in population databases (gnomAD no frequency). This variant has not been reported in the literature in individuals affected with LTBP3-related conditions. Experimental studies and prediction algorithms are not available or were not evaluated, and the functional significance of this variant is currently unknown. In summary, the available evidence is currently insufficient to determine the role of this variant in disease. Therefore, it has been classified as a Variant of Uncertain Significance.